The following is an entry in ClinVar:

NM_020964.3(EPG5):c.341G>T (p.Gly114Val)

Gene: EPG5 (ectopic P-granules 5 autophagy tethering factor; minus strand). Cytogenetic location: 18q21.1.
Variant type: single nucleotide variant.
Coding change: c.341G>T on transcript NM_020964.3 (MANE Select); coding-DNA position 341, G replaced by T.
Protein change: p.Gly114Val; replaces glycine 114 with valine.
Molecular consequence: missense variant.
Genome position (GRCh38, 1-based): chr18:45,955,061, C>A on the plus strand (G>T on the coding strand, the complement: EPG5 is on the minus strand). VCF-style: chr18-45955061-C-A. GRCh37 (hg19) VCF-style: chr18-43535027-C-A.
Other names: short protein forms G114V.
Identifiers: ClinVar variation 1412023 (VCV001412023.4), dbSNP rs1465876496, ClinGen allele CA402351937.

ClinVar aggregate classification (germline): Uncertain significance (1 of 4 stars; one submission).

Conditions:
Vici syndrome (VICIS). Identifiers: Orphanet 1493, MedGen C1855772, MONDO:0009452, OMIM 242840.

Allele frequency attached by ClinVar (database versions not stated): gnomAD exomes below 0.00001.
gnomAD v4.1: 21 of 1,614,138 alleles (0.0013%); highest among the groups gnomAD compares: Non-Finnish European, 0.0017%; no homozygotes.

Submission:

Labcorp Genetics (formerly Invitae), Labcorp
Classification: Uncertain significance for Vici syndrome. Last evaluated: 2022-06-28. Review status: criteria provided, single submitter. Criteria: Invitae Variant Classification Sherloc (09022015). Collection method: clinical testing. Allele origin: germline.
Comment: This sequence change replaces glycine, which is neutral and non-polar, with valine, which is neutral and non-polar, at codon 114 of the EPG5 protein (p.Gly114Val). This variant is present in population databases (no rsID available, gnomAD 0.0009%). This variant has not been reported in the literature in individuals affected with EPG5-related conditions. Algorithms developed to predict the effect of missense changes on protein structure and function are either unavailable or do not agree on the potential impact of this missense change (SIFT: "Deleterious"; PolyPhen-2: "Benign"; Align-GVGD: "Class C0"). In summary, the available evidence is currently insufficient to determine the role of this variant in disease. Therefore, it has been classified as a Variant of Uncertain Significance.